The following is an entry in ClinVar:

ClinVar aggregate classification (germline): Uncertain significance (1 of 4 stars; one submission).

Conditions:
Neurofibromatosis, type 1 (NF1). Also called: NEUROFIBROMATOSIS, TYPE I, SOMATIC; VON RECKLINGHAUSEN DISEASE; Neurofibromatosis, type I; Peripheral type neurofibromatosis. Identifiers: Orphanet 636, MedGen C0027831, MONDO:0018975, OMIM 162200. Disease mechanism: loss of function.

Submission:

Labcorp Genetics (formerly Invitae), Labcorp
Classification: Uncertain significance for Neurofibromatosis, type 1. Last evaluated: 2021-06-19. Review status: criteria provided, single submitter. Criteria: Invitae Variant Classification Sherloc (09022015). Collection method: clinical testing. Allele origin: germline.
Comment: Algorithms developed to predict the effect of missense changes on protein structure and function are either unavailable or do not agree on the potential impact of this missense change (SIFT: "Tolerated"; PolyPhen-2: "Possibly Damaging"; Align-GVGD: "Class C0"). This variant has not been reported in the literature in individuals with NF1-related conditions. This variant is not present in population databases (ExAC no frequency). This sequence change replaces methionine with isoleucine at codon 1271 of the NF1 protein (p.Met1271Ile). The methionine residue is moderately conserved and there is a small physicochemical difference between methionine and isoleucine. In summary, the available evidence is currently insufficient to determine the role of this variant in disease. Therefore, it has been classified as a Variant of Uncertain Significance.

NM_001042492.3(NF1):c.3813G>C (p.Met1271Ile)

Gene: NF1 (neurofibromin 1; plus strand). Cytogenetic location: 17q11.2.
Variant type: single nucleotide variant.
Coding change: c.3813G>C on transcript NM_001042492.3 (MANE Select); coding-DNA position 3813, G replaced by C.
Protein change: p.Met1271Ile; replaces methionine 1271 with isoleucine.
Molecular consequence: missense variant.
Genome position (GRCh38, 1-based): chr17:31,235,715, G>C. VCF-style: chr17-31235715-G-C. GRCh37 (hg19) VCF-style: chr17-29562733-G-C.
Other names: c.3813G>C, p.Met1271Ile (NM_000267.4); short protein forms M1271I.
Identifiers: ClinVar variation 640576 (VCV000640576.5), dbSNP rs876658565, ClinGen allele CA398992699.